The following is an entry in ClinVar:

NM_025009.5(CEP135):c.2455G>A (p.Glu819Lys)

Gene: CEP135 (centrosomal protein 135; plus strand). Cytogenetic location: 4q12.
Variant type: single nucleotide variant.
Coding change: c.2455G>A on transcript NM_025009.5 (MANE Select); coding-DNA position 2455, G replaced by A.
Protein change: p.Glu819Lys; replaces glutamic acid 819 with lysine.
Molecular consequence: missense variant.
Genome position (GRCh38, 1-based): chr4:56,009,853, G>A. VCF-style: chr4-56009853-G-A. GRCh37 (hg19) VCF-style: chr4-56876019-G-A.
Other names: c.2455G>A (NM_025009.3); short protein forms E819K.
Identifiers: ClinVar variation 1485393 (VCV001485393.9), dbSNP rs1279411788, ClinGen allele CA356964557.

ClinVar aggregate classification (germline): Uncertain significance. Review status: criteria provided, multiple submitters, no conflicts (2 of 4 stars). 2 submissions from 2 submitters: Uncertain significance (2). Last evaluated 2024-08-12.

Conditions:
Inborn genetic diseases. Identifiers: MedGen C0950123, MeSH D030342.

Allele frequency attached by ClinVar (database versions not stated): gnomAD exomes below 0.00001; TOPMed 0.00001.
gnomAD v4.1: 2 of 1,613,948 alleles (0.00012%); highest among the groups gnomAD compares: Admixed American, 0.0033%; no homozygotes.

Submissions (2):

Ambry Genetics
Classification: Uncertain significance for Inborn genetic diseases. Last evaluated: 2024-08-12. Review status: criteria provided, single submitter. Criteria: Ambry Variant Classification Scheme 2023. Collection method: clinical testing. Allele origin: germline.

Labcorp Genetics (formerly Invitae), Labcorp
Classification: Uncertain significance. Last evaluated: 2024-04-10. Review status: criteria provided, single submitter. Criteria: Invitae Variant Classification Sherloc (09022015). Collection method: clinical testing. Allele origin: germline.
Comment: This sequence change replaces glutamic acid, which is acidic and polar, with lysine, which is basic and polar, at codon 819 of the CEP135 protein (p.Glu819Lys). This variant is present in population databases (no rsID available, gnomAD 0.003%). This variant has not been reported in the literature in individuals affected with CEP135-related conditions. ClinVar contains an entry for this variant (Variation ID: 1485393). An algorithm developed to predict the effect of missense changes on protein structure and function (PolyPhen-2) suggests that this variant is likely to be disruptive. In summary, the available evidence is currently insufficient to determine the role of this variant in disease. Therefore, it has been classified as a Variant of Uncertain Significance.